The following is an entry in ClinVar:

NM_006031.6(PCNT):c.1842C>T (p.Ile614=)

Gene: PCNT (pericentrin; plus strand). Cytogenetic location: 21q22.3.
Variant type: single nucleotide variant.
Coding change: c.1842C>T on transcript NM_006031.6 (MANE Select); coding-DNA position 1842, C replaced by T.
Protein change: p.Ile614=; no amino-acid change (isoleucine 614 retained).
Molecular consequence: synonymous variant.
Genome position (GRCh38, 1-based): chr21:46,355,532, C>T. VCF-style: chr21-46355532-C-T. GRCh37 (hg19) VCF-style: chr21-47775447-C-T.
Other names: c.1842C>T (NM_006031.5); c.1488C>T, p.Ile496= (NM_001315529.2).
Identifiers: ClinVar variation 1945548 (VCV001945548.6), dbSNP rs758680236, ClinGen allele CA10078787.

ClinVar aggregate classification (germline): Likely benign. Review status: criteria provided, single submitter (1 of 4 stars). 2 submissions from 2 submitters: Likely benign (1). 1 of the submissions does not count toward it. Last evaluated 2023-10-23.

Conditions:
PCNT-related disorder. Also called: PCNT-related condition.

Allele frequency attached by ClinVar (database versions not stated): gnomAD exomes below 0.00001; TOPMed below 0.00001; ExAC 0.00002.
gnomAD v4.1: 2 of 1,613,906 alleles (0.00012%); highest among the groups gnomAD compares: Admixed American, 0.0033%; no homozygotes.

Submissions (2):

Labcorp Genetics (formerly Invitae), Labcorp
Classification: Likely benign. Last evaluated: 2023-10-23. Review status: criteria provided, single submitter. Criteria: Invitae Variant Classification Sherloc (09022015). Collection method: clinical testing. Allele origin: germline.

PreventionGenetics, part of Exact Sciences
Classification: Likely benign for PCNT-related condition. Last evaluated: 2024-03-06. Review status: no assertion criteria provided. Collection method: clinical testing. Allele origin: germline. Not counted in ClinVar's aggregate classification.
Comment: This variant is classified as likely benign based on ACMG/AMP sequence variant interpretation guidelines (Richards et al. 2015 PMID: 25741868, with internal and published modifications).